The following is an entry in ClinVar:

NM_001282534.2(KCNK9):c.599T>C (p.Ile200Thr)

Gene: KCNK9 (potassium two pore domain channel subfamily K member 9; minus strand). Cytogenetic location: 8q24.3.
Variant type: single nucleotide variant.
Coding change: c.599T>C on transcript NM_001282534.2 (MANE Select); coding-DNA position 599, T replaced by C.
Protein change: p.Ile200Thr; replaces isoleucine 200 with threonine.
Molecular consequence: missense variant. On other transcripts: non-coding transcript variant (1).
Genome position (GRCh38, 1-based): chr8:139,618,784, A>G on the plus strand (T>C on the coding strand, the complement: KCNK9 is on the minus strand). VCF-style: chr8-139618784-A-G. GRCh37 (hg19) VCF-style: chr8-140631027-A-G.
Other names: short protein forms I200T.
Identifiers: ClinVar variation 989376 (VCV000989376.8), dbSNP rs1814681920, ClinGen allele CA372734259.

ClinVar aggregate classification (germline): Uncertain significance. Review status: criteria provided, multiple submitters, no conflicts (2 of 4 stars). 2 submissions from 2 submitters: Uncertain significance (2). Last evaluated 2025-08-12.

Conditions:
Birk-Barel syndrome. Also called: KCNK9 Imprinting Syndrome; MENTAL RETARDATION WITH HYPOTONIA AND FACIAL DYSMORPHISM. Identifiers: Orphanet 166108, MedGen C2676770, MONDO:0012856, OMIM 612292.

Allele frequency attached by ClinVar (database versions not stated): gnomAD exomes below 0.00001.
gnomAD v4.1: 4 of 1,614,152 alleles (0.00025%); highest among the groups gnomAD compares: Non-Finnish European, 0.00034%; no homozygotes.

Submissions (2):

GeneDx
Classification: Uncertain significance. Last evaluated: 2025-08-12. Review status: criteria provided, single submitter. Criteria: GeneDx Variant Classification Process June 2021. Collection method: clinical testing. Allele origin: germline. Affected: yes.
Comment: Not observed at significant frequency in large population cohorts (gnomAD); In silico analysis supports that this missense variant has a deleterious effect on protein structure/function; Has not been previously published as pathogenic or benign to our knowledge

Illumina Laboratory Services, Illumina
Classification: Uncertain significance for KCNK9-imprinting syndrome. Last evaluated: 2020-08-27. Review status: criteria provided, single submitter. Criteria: ICSLVariantClassificationCriteria RUGD 01 April 2020. Collection method: clinical testing. Allele origin: unknown.
Comment: The KCNK9 c.599T>C (p.Ile200Thr) variant is a missense variant. A literature search was performed for the gene, cDNA change, and amino acid change. No publications were found based on this search. This variant is not found in the Genome Aggregation Database in a region of good sequence coverage, so the variant is presumed to be rare. Based on the limited evidence, the p.Ile200Thr variant is classified as a variant of uncertain significance for KCNK9-imprinting syndrome.